The following is an entry in ClinVar:

ClinVar aggregate classification (germline): Uncertain significance (1 of 4 stars; one submission).

Conditions:
Early-onset Parkinson disease 20. Also called: PARKINSON DISEASE 20, AUTOSOMAL RECESSIVE EARLY-ONSET. Identifiers: Orphanet 391411, MedGen C3809824, MONDO:0014233, OMIM 615530.
Developmental and epileptic encephalopathy, 53. Also called: Epileptic encephalopathy, early infantile, 53. Identifiers: MedGen C4479313, MONDO:0033362, OMIM 617389.

Submission:

Labcorp Genetics (formerly Invitae), Labcorp
Classification: Uncertain significance for Developmental and epileptic encephalopathy, 53; Early-onset Parkinson disease 20. Last evaluated: 2019-04-06. Review status: criteria provided, single submitter. Criteria: Invitae Variant Classification Sherloc (09022015). Collection method: clinical testing. Allele origin: germline.
Comment: This variant has not been reported in the literature in individuals with SYNJ1-related conditions. Algorithms developed to predict the effect of missense changes on protein structure and function output the following: SIFT: "Tolerated"; PolyPhen-2: "Benign"; Align-GVGD: "Class C0". The leucine amino acid residue is found in multiple mammalian species, suggesting that this missense change does not adversely affect protein function. These predictions have not been confirmed by published functional studies and their clinical significance is uncertain. In summary, the available evidence is currently insufficient to determine the role of this variant in disease. Therefore, it has been classified as a Variant of Uncertain Significance. This variant is not present in population databases (ExAC no frequency). This sequence change replaces valine with leucine at codon 1100 of the SYNJ1 protein (p.Val1100Leu). The valine residue is weakly conserved and there is a small physicochemical difference between valine and leucine.

NM_203446.3(SYNJ1):c.3181G>C (p.Val1061Leu)

Gene: SYNJ1 (synaptojanin 1; minus strand). Cytogenetic location: 21q22.11.
Variant type: single nucleotide variant.
Coding change: c.3181G>C on transcript NM_203446.3 (MANE Select); coding-DNA position 3181, G replaced by C.
Protein change: p.Val1061Leu; replaces valine 1061 with leucine.
Molecular consequence: missense variant.
Genome position (GRCh38, 1-based): chr21:32,646,459, C>G on the plus strand (G>C on the coding strand, the complement: SYNJ1 is on the minus strand). VCF-style: chr21-32646459-C-G. GRCh37 (hg19) VCF-style: chr21-34018769-C-G.
Other names: c.3181G>C, p.Val1061Leu (NM_001160302.2); c.3166G>C, p.Val1056Leu (NM_001160306.2); c.3298G>C, p.Val1100Leu (NM_003895.4); short protein forms V1100L, V1056L, V1061L.
Identifiers: ClinVar variation 948127 (VCV000948127.10), dbSNP rs753032623, ClinGen allele CA410069300.